The following is an entry in ClinVar:

NM_007294.4(BRCA1):c.4027G>C (p.Asp1343His)

Genes: BRCA1 (BRCA1 DNA repair associated; minus strand), LOC126862571 (BRD4-independent group 4 enhancer GRCh37_chr17:41243136-41244335; plus strand). Cytogenetic location: 17q21.31.
Variant type: single nucleotide variant.
Coding change: c.4027G>C on transcript NM_007294.4 (MANE Select); coding-DNA position 4027, G replaced by C.
Protein change: p.Asp1343His; replaces aspartic acid 1343 with histidine.
Molecular consequence: missense variant. On other transcripts: intron variant (135).
Genome position (GRCh38, 1-based): chr17:43,091,504, C>G on the plus strand (G>C on the coding strand, the complement: BRCA1 is on the minus strand). VCF-style: chr17-43091504-C-G. GRCh37 (hg19) VCF-style: chr17-41243521-C-G.
Other names: c.3814G>C, p.Asp1272His (NM_001407571.1, NM_001407853.1, NM_001407894.1 and 9 more transcripts); c.4027G>C, p.Asp1343His (NM_001407581.1, NM_001407582.1, NM_001407583.1 and 30 more transcripts); c.4024G>C, p.Asp1342His (NM_001407587.1, NM_001407590.1, NM_001407591.1 and 22 more transcripts); c.4018G>C, p.Asp1340His (NM_001407646.1, NM_001407647.1); c.3904G>C, p.Asp1302His (NM_001407648.1, NM_001407664.1, NM_001407665.1 and 19 more transcripts); c.3901G>C, p.Asp1301His (NM_001407649.1, NM_001407670.1, NM_001407671.1 and 11 more transcripts); c.3949G>C, p.Asp1317His (NM_001407653.1, NM_001407654.1, NM_001407655.1 and 4 more transcripts); c.3946G>C, p.Asp1316His (NM_001407659.1, NM_001407660.1, NM_001407661.1 and 1 more transcripts); and 41 more; short protein forms D1296H, D1343H, D1232H, D1255H, D1275H, D1216H, D1276H, D1302H.
Identifiers: ClinVar variation 951602 (VCV000951602.13), dbSNP rs1160287128, ClinGen allele CA10593905.
Genomic context (GRCh38, chr17:43,091,504, plus strand): 5'-AATCCATGCTTTGCTCTTCTTGATTATTTTCTTCCAAGCCCGTTCCTCTTTCTTCATCAT[C>G]TGAAACCAATTCCTTGTCACTCAGACCAACTCCCTGGCTTTCAGACTGATGCCTCATTTG-3'
Protein context (NP_009225.1, residues 1333-1353): VGLSDKELVS[Asp1343His]DEERGTGLEE

ClinVar aggregate classification (germline): Conflicting classifications of pathogenicity. Review status: criteria provided, conflicting classifications (1 of 4 stars). 2 submissions from 2 submitters: Uncertain significance (1); Likely benign (1). Last evaluated 2023-07-07.

Conditions:
Hereditary breast ovarian cancer syndrome. Also called: Hereditary breast and ovarian cancer; Hereditary breast and/or ovarian cancer syndrome; Hereditary breast and ovarian cancer syndrome; Hereditary breast and ovarian cancer syndrome (HBOC); BRCA1- and BRCA2-Associated Hereditary Breast and Ovarian Cancer; Breast and ovarian cancer. Identifiers: Orphanet 145, MedGen C0677776, MeSH D061325, MONDO:0003582. Disease mechanism: loss of function.
Hereditary cancer-predisposing syndrome. Also called: Tumor predisposition; Hereditary neoplastic syndrome; Neoplastic Syndromes, Hereditary; Hereditary Cancer Syndrome. Identifiers: Orphanet 140162, MedGen C0027672, MeSH D009386, MONDO:0015356.

Submissions (2):

Labcorp Genetics (formerly Invitae), Labcorp
Classification: Uncertain significance for Hereditary breast ovarian cancer syndrome. Last evaluated: 2023-07-07. Review status: criteria provided, single submitter. Criteria: Invitae Variant Classification Sherloc (09022015). Collection method: clinical testing. Allele origin: germline.
Comment: Studies have shown that this missense change does not affect mRNA splicing (PMID: 18273839). This sequence change replaces aspartic acid, which is acidic and polar, with histidine, which is basic and polar, at codon 1343 of the BRCA1 protein (p.Asp1343His). This variant is not present in population databases (gnomAD no frequency). This variant has not been reported in the literature in individuals affected with BRCA1-related conditions. ClinVar contains an entry for this variant (Variation ID: 951602). Advanced modeling of protein sequence and biophysical properties (such as structural, functional, and spatial information, amino acid conservation, physicochemical variation, residue mobility, and thermodynamic stability) performed at Invitae indicates that this missense variant is not expected to disrupt BRCA1 protein function. In summary, the available evidence is currently insufficient to determine the role of this variant in disease. Therefore, it has been classified as a Variant of Uncertain Significance.

University of Washington Department of Laboratory Medicine, University of Washington
Classification: Likely benign for Hereditary cancer-predisposing syndrome. Last evaluated: 2023-03-23. Review status: criteria provided, single submitter. Criteria: Dines et al. (Genet Med. 2020). Collection method: curation. Allele origin: germline.
Comment: Missense variant in a coldspot region where missense variants are very unlikely to be pathogenic (PMID:31911673).

BRCA1 coldspot (exon 11 using historical exon numbering). Reclassification based on statistical prior probability

Literature cited by the submitters: PubMed 18273839 (cited by Labcorp Genetics (formerly Invitae), Labcorp).